The following is an entry in ClinVar:

NM_017950.4(CCDC40):c.2383C>G (p.Leu795Val)

Gene: CCDC40 (coiled-coil domain 40 molecular ruler complex subunit; plus strand). Cytogenetic location: 17q25.3.
Variant type: single nucleotide variant.
Coding change: c.2383C>G on transcript NM_017950.4 (MANE Select); coding-DNA position 2383, C replaced by G.
Protein change: p.Leu795Val; replaces leucine 795 with valine.
Molecular consequence: missense variant.
Genome position (GRCh38, 1-based): chr17:80,086,150, C>G. VCF-style: chr17-80086150-C-G. GRCh37 (hg19) VCF-style: chr17-78059949-C-G.
Other names: c.2383C>G, p.Leu795Val (NM_001243342.2); short protein forms L795V.
Identifiers: ClinVar variation 2400206 (VCV002400206.3), dbSNP rs765958313, ClinGen allele CA8814182.

ClinVar aggregate classification (germline): Uncertain significance (1 of 4 stars; one submission).

Conditions:
Primary ciliary dyskinesia. Also called: Ciliary dyskinesia. Identifiers: Orphanet 244, MedGen C0008780, MONDO:0016575, HP:0012265.

Allele frequency attached by ClinVar (database versions not stated): ExAC 0.00001; gnomAD exomes 0.00002; TOPMed 0.00010; gnomAD 0.00011.
gnomAD v4.1: 26 of 1,613,894 alleles (0.0016%); highest among the groups gnomAD compares: Admixed American, 0.04%; no homozygotes.

Submission:

Ambry Genetics
Classification: Uncertain significance for Primary ciliary dyskinesia. Last evaluated: 2026-05-14. Review status: criteria provided, single submitter. Criteria: Ambry Variant Classification Scheme 2023. Collection method: clinical testing. Allele origin: germline.
Comment: The p.L795V variant (also known as c.2383C>G), located in coding exon 14 of the CCDC40 gene, results from a C to G substitution at nucleotide position 2383. The leucine at codon 795 is replaced by valine, an amino acid with highly similar properties. This amino acid position is conserved. In addition, this alteration is predicted to be tolerated by in silico analysis. Based on the available evidence, the clinical significance of this variant remains unclear.